The following is an entry in ClinVar:

NM_003660.4(PPFIA3):c.3293A>C (p.Gln1098Pro)

Gene: PPFIA3 (PTPRF interacting protein alpha 3; plus strand). Cytogenetic location: 19q13.33.
Variant type: single nucleotide variant.
Coding change: c.3293A>C on transcript NM_003660.4 (MANE Select); coding-DNA position 3293, A replaced by C.
Protein change: p.Gln1098Pro; replaces glutamine 1098 with proline.
Molecular consequence: missense variant. On other transcripts: non-coding transcript variant (1).
Genome position (GRCh38, 1-based): chr19:49,149,264, A>C. VCF-style: chr19-49149264-A-C. GRCh37 (hg19) VCF-style: chr19-49652521-A-C.
Other names: short protein forms Q1098P.
Identifiers: ClinVar variation 3370950 (VCV003370950.1).
Genomic context (GRCh38, chr19:49,149,264, plus strand): 5'-CCCCACCTCGCAGACTGCACGCTCCAACCGCCCCCTCCACCTCCTCTTTCCAGGCCCGGC[A>C]GCTTCTGGAGAAGGAATTCAGCAACCTTATCTCCTTAGGCACAGACAGGCGGCTGGACGA-3'
Protein context (NP_003651.1, residues 1088-1108): QIPTQNAQAR[Gln1098Pro]LLEKEFSNLI

ClinVar aggregate classification (germline): Uncertain significance (1 of 4 stars; one submission).

Submission:

GeneDx
Classification: Uncertain significance. Last evaluated: 2024-03-18. Review status: criteria provided, single submitter. Criteria: GeneDx Variant Classification Process June 2021. Collection method: clinical testing. Allele origin: germline. Affected: yes.
Comment: Not observed at significant frequency in large population cohorts (gnomAD); In silico analysis supports that this missense variant has a deleterious effect on protein structure/function; Has not been previously published as pathogenic or benign to our knowledge